The following is an entry in ClinVar:

ClinVar aggregate classification (germline): Uncertain significance (1 of 4 stars; one submission).

Allele frequency attached by ClinVar (database versions not stated): ExAC 0.00004; TOPMed 0.00005.
gnomAD v4.1: 30 of 1,613,310 alleles (0.0019%); highest among the groups gnomAD compares: Middle Eastern, 0.016%; no homozygotes.

Submission:

Labcorp Genetics (formerly Invitae), Labcorp
Classification: Uncertain significance. Last evaluated: 2025-12-16. Review status: criteria provided, single submitter. Criteria: Invitae Variant Classification Sherloc (09022015). Collection method: clinical testing. Allele origin: germline.
Comment: This sequence change replaces lysine, which is basic and polar, with asparagine, which is neutral and polar, at codon 768 of the IL12RB2 protein (p.Lys768Asn). This variant is present in population databases (rs769927347, gnomAD 0.006%). This variant has not been reported in the literature in individuals affected with IL12RB2-related conditions. ClinVar contains an entry for this variant (Variation ID: 2139259). An algorithm developed to predict the effect of missense changes on protein structure and function (PolyPhen-2) suggests that this variant is likely to be disruptive. In summary, the available evidence is currently insufficient to determine the role of this variant in disease. Therefore, it has been classified as a Variant of Uncertain Significance.

NM_001374259.2(IL12RB2):c.2304G>C (p.Lys768Asn)

Gene: IL12RB2 (interleukin 12 receptor subunit beta 2; plus strand). Cytogenetic location: 1p31.3.
Variant type: single nucleotide variant.
Coding change: c.2304G>C on transcript NM_001374259.2 (MANE Select); coding-DNA position 2304, G replaced by C.
Protein change: p.Lys768Asn; replaces lysine 768 with asparagine.
Molecular consequence: missense variant. On other transcripts: 3 prime UTR variant (3), non-coding transcript variant (2).
Genome position (GRCh38, 1-based): chr1:67,395,804, G>C. VCF-style: chr1-67395804-G-C. GRCh37 (hg19) VCF-style: chr1-67861487-G-C.
Other names: c.*224G>C (NM_001258214.1, NM_001319233.1); c.2046G>C, p.Lys682Asn (NM_001258215.1); c.*205G>C (NM_001258216.1); c.2304G>C, p.Lys768Asn (NM_001559.3); short protein forms K682N, K768N.
Identifiers: ClinVar variation 2139259 (VCV002139259.4), dbSNP rs769927347, ClinGen allele CA900705.